The following is an entry in ClinVar:

NM_003900.5(SQSTM1):c.*1322G>T

Genes: SQSTM1 (sequestosome 1; plus strand), MRNIP (MRN complex interacting protein; minus strand). Cytogenetic location: 5q35.3.
Variant type: single nucleotide variant.
Coding change: c.*1322G>T on transcript NM_003900.5 (MANE Select); 1322 bases downstream of the stop codon, G replaced by T.
Molecular consequence: 3 prime UTR variant. On other transcripts: intron variant (2).
Genome position (GRCh38, 1-based): chr5:179,837,915, G>T. VCF-style: chr5-179837915-G-T. GRCh37 (hg19) VCF-style: chr5-179264915-G-T.
Other names: c.*1322G>T (NM_001142298.2, NM_001142299.2); c.373-30C>A (NM_001017987.3); c.538-30C>A (NM_016175.4).
Identifiers: ClinVar variation 353186 (VCV000353186.5), dbSNP rs1065154, ClinGen allele CA3601110.

ClinVar aggregate classification (germline): Benign (1 of 4 stars; one submission).

Conditions:
Paget disease of bone 3. Identifiers: MedGen C4085252, MONDO:0008176, OMIM 167250.

Allele frequency attached by ClinVar (database versions not stated): gnomAD exomes 0.56344 and 0.63783; ExAC 0.63291; ESP Exome Variant Server 0.65017; gnomAD 0.66822 and 0.67053; TOPMed 0.68451; 1000 Genomes Project 0.72284; 1000 Genomes Project 30x 0.72814.
gnomAD v4.1: 911,284 of 1,586,700 alleles (57%); highest among the groups gnomAD compares: African/African-American, 88%; 269,215 homozygotes.

Submission:

Illumina Laboratory Services, Illumina
Classification: Benign for Paget disease of bone 3. Last evaluated: 2018-01-12. Review status: criteria provided, single submitter. Criteria: ICSL Variant Classification Criteria 13 December 2019. Collection method: clinical testing. Allele origin: germline.
Comment: This variant was observed in the ICSL laboratory as part of a predisposition screen in an ostensibly healthy population. It had not been previously curated by ICSL or reported in the Human Gene Mutation Database (HGMD: prior to June 1st, 2018), and was therefore a candidate for classification through an automated scoring system. Utilizing variant allele frequency, disease prevalence and penetrance estimates, and inheritance mode, an automated score was calculated to assess if this variant is too frequent to cause the disease. Based on the score and internal cut-off values, a variant classified as benign is not then subjected to further curation. The score for this variant resulted in a classification of benign for this disease.